The following is an entry in ClinVar:

NM_001022.4(RPS19):c.34dup (p.Gln12fs)

Genes: RPS19 (ribosomal protein S19; plus strand), RPS19-CD79A (RPS19-CD79A readthrough; plus strand). Cytogenetic location: 19q13.2.
Variant type: Duplication.
Coding change: c.34dup on transcript NM_001022.4 (MANE Select); coding-DNA position 34, one base duplicated (C; older notation c.34dupC).
Protein change: p.Gln12fs; shifts the reading frame from glutamine 12.
Molecular consequence: frameshift variant.
Genome position (GRCh38, 1-based): chr19:41,860,808, C duplicated. VCF-style (leftmost placement, unchanged base first): chr19-41860807-G-GC. GRCh37 (hg19) VCF-style: chr19-42364877-G-GC.
Other names: c.34dup, p.Gln12fs (NM_001321483.2, NM_001321484.2, NM_001321485.2); short protein forms Q12fs.
Identifiers: ClinVar variation 4713137 (VCV004713137.1).

ClinVar aggregate classification (germline): Pathogenic (1 of 4 stars; one submission).

Conditions:
Diamond-Blackfan anemia. Also called: Blackfan Diamond syndrome; Aregenerative anemia chronic congenital; Red cell aplasia, pure hereditary; Congenital hypoplastic anemia; Aase syndrome. Identifiers: Orphanet 124, MedGen C1260899, MeSH D029503, MONDO:0015253, HP:0004810.

Submission:

Labcorp Genetics (formerly Invitae), Labcorp
Classification: Pathogenic for Diamond-Blackfan anemia. Last evaluated: 2025-02-15. Review status: criteria provided, single submitter. Criteria: Invitae Variant Classification Sherloc (09022015). Collection method: clinical testing. Allele origin: germline.
Comment: This sequence change creates a premature translational stop signal (p.Gln12Profs*39) in the RPS19 gene. It is expected to result in an absent or disrupted protein product. Loss-of-function variants in RPS19 are known to be pathogenic (PMID: 20960466). This variant is not present in population databases (gnomAD no frequency). This variant has not been reported in the literature in individuals affected with RPS19-related conditions. For these reasons, this variant has been classified as Pathogenic.

Literature cited by the submitters: PubMed 20960466.